The following is an entry in ClinVar:

ClinVar aggregate classification (germline): Uncertain significance (1 of 4 stars; one submission).

Conditions:
Cardiovascular phenotype. Identifiers: MedGen CN230736.

Submission:

Ambry Genetics
Classification: Uncertain significance for Cardiovascular phenotype. Last evaluated: 2020-11-24. Review status: criteria provided, single submitter. Criteria: Ambry Variant Classification Scheme 2023. Collection method: clinical testing. Allele origin: germline.
Comment: The c.45819_45821dupATC variant (also known as p.S15274dup), located in coding exon 153 of the TTN gene, results from an in-frame duplication of ATC at nucleotide positions 45819 to 45821. This results in the duplication of an extra serine residue between codons 15274 and 15275. This amino acid position is highly conserved in available vertebrate species. In addition, this alteration is predicted to be deleterious by in silico analysis (Choi Y et al. PLoS ONE. 2012; 7(10):e46688). Since supporting evidence is limited at this time, the clinical significance of this alteration remains unclear.

NM_001267550.2(TTN):c.73011ATC[3] (p.Ser24339_Ile24340insSer)

Genes: TTN (titin; minus strand), TTN-AS1 (TTN antisense RNA 1; plus strand). Cytogenetic location: 2q31.2.
Variant type: Microsatellite.
Coding change: c.73011ATC[3] on transcript NM_001267550.2 (MANE Select); three copies in a row of the 3-base unit ATC starting at c.73011; the reference has two copies in a row; one copy, 3 bases duplicated.
Protein change: p.Ser24339_Ile24340insSer.
Molecular consequence: inframe insertion.
Genome position (GRCh38, 1-based): chr2:178,573,116-178,573,118, GAT duplicated on the plus strand (ATC on the coding strand, the reverse complement: TTN is on the minus strand); duplicating any 3 consecutive bases within chr2:178,573,116-178,573,121 gives the same sequence; the position shown is the placement nearest the transcript's 3' end. VCF-style (leftmost placement, unchanged base first): chr2-178573115-G-GGAT. GRCh37 (hg19) VCF-style: chr2-179437842-G-GGAT.
Other names: c.68088ATC[3], p.Ser22698_Ile22699insSer (NM_001256850.1); c.45816ATC[3], p.Ser15274_Ile15275insSer (NM_003319.4); c.65307ATC[3], p.Ser21771_Ile21772insSer (NM_133378.4); c.46191ATC[3], p.Ser15399_Ile15400insSer (NM_133432.3); c.46392ATC[3], p.Ser15466_Ile15467insSer (NM_133437.4); c.45819_45821dupATC (NM_003319.4).
Identifiers: ClinVar variation 1741646 (VCV001741646.2), dbSNP rs1176048309, ClinGen allele CA761290788.
Genomic context (GRCh38, chr2:178,573,115, plus strand): 5'-CATATACCCAGTGATTTCTGAACCACCATCATAGATAGGTTTATTCCAAGCGATTGAAAT[G>GGAT]GATGATCTGCTTGTATCCAGAACACGTGGGTTACCTGGTGGTCCAGGTTTAAACACAGTG-3'